The following is an entry in ClinVar:

NM_006904.7(PRKDC):c.328A>T (p.Thr110Ser)

Gene: PRKDC (protein kinase, DNA-activated, catalytic subunit; minus strand). Cytogenetic location: 8q11.21.
Variant type: single nucleotide variant.
Coding change: c.328A>T on transcript NM_006904.7 (MANE Select); coding-DNA position 328, A replaced by T.
Protein change: p.Thr110Ser; replaces threonine 110 with serine.
Molecular consequence: missense variant.
Genome position (GRCh38, 1-based): chr8:47,955,945, T>A on the plus strand (A>T on the coding strand, the complement: PRKDC is on the minus strand). VCF-style: chr8-47955945-T-A. GRCh37 (hg19) VCF-style: chr8-48868505-T-A.
Other names: c.328A>T, p.Thr110Ser (NM_001081640.2); short protein forms T110S.
Identifiers: ClinVar variation 1729823 (VCV001729823.2), dbSNP rs2090693229, ClinGen allele CA371140577.
Genomic context (GRCh38, chr8:47,955,945, plus strand): 5'-GGTCCAGGGCTGGAATTTTACATTTAGCAGCTCTATCTTTTGTATAAACACTGGTACAAG[T>A]GTTCTAGGTTTTAAAAAAAAAATAACCAAAATCATCAATAAGATATAAAAACTAAGACTC-3'
Protein context (NP_008835.5, residues 100-120): IAPYSVEIKN[Thr110Ser]CTSVYTKDRA

ClinVar aggregate classification (germline): Uncertain significance (1 of 4 stars; one submission).

Allele frequency attached by ClinVar (database versions not stated): gnomAD exomes below 0.00001.
gnomAD v4.1: 1 of 1,592,680 alleles (0.000063%); highest among the groups gnomAD compares: Non-Finnish European, 0.000086%; no homozygotes.

Submission:

Ambry Genetics
Classification: Uncertain significance. Last evaluated: 2021-12-15. Review status: criteria provided, single submitter. Criteria: Ambry Variant Classification Scheme 2023. Collection method: clinical testing. Allele origin: germline.
Comment: The p.T110S variant (also known as c.328A>T), located in coding exon 4 of the PRKDC gene, results from an A to T substitution at nucleotide position 328. The threonine at codon 110 is replaced by serine, an amino acid with similar properties. This amino acid position is conserved. In addition, this alteration is predicted to be tolerated by in silico analysis. Since supporting evidence is limited at this time, the clinical significance of this alteration remains unclear.